The following is an entry in ClinVar:

ClinVar aggregate classification (germline): Uncertain significance (1 of 4 stars; one submission).

Allele frequency attached by ClinVar (database versions not stated): gnomAD exomes below 0.00001.
gnomAD v4.1: 1 of 1,582,316 alleles (0.000063%); highest among the groups gnomAD compares: Non-Finnish European, 0.000087%; no homozygotes.

Submission:

Ambry Genetics
Classification: Uncertain significance. Last evaluated: 2024-01-31. Review status: criteria provided, single submitter. Criteria: Ambry Variant Classification Scheme 2023. Collection method: clinical testing. Allele origin: germline.
Comment: The c.864+3A>G intronic variant results from an A to G substitution 3 nucleotides after coding exon 8 in the KIF1B gene. This nucleotide position is not well conserved in available vertebrate species. In silico splice site analysis for this alteration is inconclusive. The evidence for this gene-disease relationship is limited; therefore, the clinical significance of this alteration is unclear.

NM_001365951.3(KIF1B):c.864+3A>G

Gene: KIF1B (kinesin family member 1B; plus strand). Cytogenetic location: 1p36.22.
Variant type: single nucleotide variant.
Coding change: c.864+3A>G on transcript NM_001365951.3 (MANE Select); 3 bases into the intron after coding-DNA position 864, A replaced by G.
Molecular consequence: intron variant.
Genome position (GRCh38, 1-based): chr1:10,272,309, A>G. VCF-style: chr1-10272309-A-G. GRCh37 (hg19) VCF-style: chr1-10332367-A-G.
Other names: c.864+3A>G (NM_183416.4, NM_015074.3, NM_001365952.1 and 1 more transcripts).
Identifiers: ClinVar variation 3226561 (VCV003226561.1), dbSNP rs2521107707, ClinGen allele CA2643175988.